The following is an entry in ClinVar:

ClinVar aggregate classification (germline): Uncertain significance (1 of 4 stars; one submission).

Conditions:
Long QT syndrome (LQTS). Identifiers: MedGen C0023976, MeSH D008133, MONDO:0002442. Disease mechanism: loss of function. Inheritance: Various modes of inheritance.

Submission:

Labcorp Genetics (formerly Invitae), Labcorp
Classification: Uncertain significance for Long QT syndrome. Last evaluated: 2025-10-14. Review status: criteria provided, single submitter. Criteria: Invitae Variant Classification Sherloc (09022015). Collection method: clinical testing. Allele origin: germline.
Comment: This sequence change replaces threonine, which is neutral and polar, with serine, which is neutral and polar, at codon 1352 of the CACNA1C protein (p.Thr1352Ser). This variant is not present in population databases (gnomAD no frequency). This variant has not been reported in the literature in individuals affected with CACNA1C-related conditions. Invitae Evidence Modeling of protein sequence and biophysical properties (such as structural, functional, and spatial information, amino acid conservation, physicochemical variation, residue mobility, and thermodynamic stability) indicates that this missense variant is expected to disrupt CACNA1C protein function with a positive predictive value of 95%. In summary, the available evidence is currently insufficient to determine the role of this variant in disease. Therefore, it has been classified as a Variant of Uncertain Significance.

NM_000719.7(CACNA1C):c.4054A>T (p.Thr1352Ser)

Gene: CACNA1C (calcium voltage-gated channel subunit alpha1 C; plus strand). Cytogenetic location: 12p13.33.
Variant type: single nucleotide variant.
Coding change: c.4054A>T on transcript NM_000719.7 (MANE Select); coding-DNA position 4054, A replaced by T.
Protein change: p.Thr1352Ser; replaces threonine 1352 with serine.
Molecular consequence: missense variant.
Genome position (GRCh38, 1-based): chr12:2,651,748, A>T. VCF-style: chr12-2651748-A-T. GRCh37 (hg19) VCF-style: chr12-2760914-A-T.
Other names: c.4198A>T, p.Thr1400Ser (NM_001129827.2, NM_199460.4); c.4120A>T, p.Thr1374Ser (NM_001129829.2); c.4054A>T, p.Thr1352Ser (NM_001129830.3, NM_001129833.2, NM_001129834.2 and 7 more transcripts); c.4138A>T, p.Thr1380Ser (NM_001129831.2); c.4114A>T, p.Thr1372Ser (NM_001129832.2); c.4105A>T, p.Thr1369Ser (NM_001129836.2); c.4021A>T, p.Thr1341Ser (NM_001129837.2, NM_001129838.2, NM_001129846.2 and 1 more transcripts); c.4015A>T, p.Thr1339Ser (NM_001129839.2); and 1 more; short protein forms T1372S, T1400S, T1341S, T1380S, T1339S, T1352S, T1374S, T1349S.
Identifiers: ClinVar variation 4745782 (VCV004745782.1).